The following is an entry in ClinVar:

ClinVar aggregate classification (germline): Conflicting classifications of pathogenicity. Review status: criteria provided, conflicting classifications (1 of 4 stars). 3 submissions from 3 submitters: Likely pathogenic (1); Uncertain significance (1). 1 of the submissions does not count toward it. Last evaluated 2025-04-29.

Conditions:
Brown-Vialetto-van Laere syndrome 1. Also called: BROWN-VIALETTO-VAN LAERE SYNDROME 1, MILD; BULBAR PALSY, PROGRESSIVE, WITH SENSORINEURAL DEAFNESS; PONTOBULBAR PALSY WITH DEAFNESS. Identifiers: Orphanet 572550, Orphanet 97229, MedGen C0796274, MONDO:0024537, OMIM 211530.
SLC52A3-related disorder. Also called: SLC52A3-related condition.

Allele frequency attached by ClinVar (database versions not stated): ExAC 0.00001; gnomAD exomes 0.00001.
gnomAD v4.1: 8 of 1,614,150 alleles (0.0005%); highest among the groups gnomAD compares: South Asian, 0.0044%; no homozygotes.

Submissions (3):

3billion
Classification: Likely pathogenic for SLC52A3-related disorder. Last evaluated: 2025-04-29. Review status: criteria provided, single submitter. Criteria: ACMG Guidelines, 2015. Collection method: clinical testing. Allele origin: germline. Affected: yes.

CeGaT Center for Human Genetics Tuebingen
Classification: Uncertain significance. Last evaluated: 2024-01-01. Review status: criteria provided, single submitter. Criteria: CeGaT Center For Human Genetics Tuebingen Variant Classification Criteria Version 2. Collection method: clinical testing. Allele origin: germline. Affected: yes. Observed: 1 variant allele.
Comment: SLC52A3: PM2

GeneReviews
No classification provided. Condition: Brown-Vialetto-van Laere syndrome 1. Review status: no classification provided. Collection method: literature only. Allele origin: germline. Not counted in ClinVar's aggregate classification.
Comment: Variant with an unusual pattern of inheritance in 2 related persons of Indian ancestry

Literature cited by the submitters: PubMed 33325104 (cited by 3billion and GeneReviews).

NM_033409.4(SLC52A3):c.710C>T (p.Ala237Val)

Gene: SLC52A3 (solute carrier family 52 member 3; minus strand). Cytogenetic location: 20p13.
Variant type: single nucleotide variant.
Coding change: c.710C>T on transcript NM_033409.4 (MANE Select); coding-DNA position 710, C replaced by T.
Protein change: p.Ala237Val; replaces alanine 237 with valine.
Molecular consequence: missense variant.
Genome position (GRCh38, 1-based): chr20:763,861, G>A on the plus strand (C>T on the coding strand, the complement: SLC52A3 is on the minus strand). VCF-style: chr20-763861-G-A. GRCh37 (hg19) VCF-style: chr20-744505-G-A.
Other names: c.710C>T, p.Ala237Val (NM_001370085.1, NM_001370086.1); short protein forms A237V.
Identifiers: ClinVar variation 1315573 (VCV001315573.24), dbSNP rs773916730, ClinGen allele CA9724698.